The following is an entry in ClinVar:

NM_017777.4(MKS1):c.81_82del

Gene: MKS1 (MKS transition zone complex subunit 1; minus strand). Cytogenetic location: 17q22.
Variant type: Microsatellite.
Coding change: c.81_82del on transcript NM_017777.4 (MANE Select); coding-DNA positions 81 to 82, 2 bases deleted (AG; older notation c.81_82delAG).
Genome position (GRCh38, 1-based): chr17:58,218,728-58,218,729, CT deleted on the plus strand (AG on the coding strand, the reverse complement: MKS1 is on the minus strand); deleting any 2 consecutive bases within chr17:58,218,728-58,218,731 gives the same sequence; the c. name uses the placement nearest the transcript's 3' end. VCF-style (leftmost placement, unchanged base first): chr17-58218727-ACT-A. GRCh37 (hg19) VCF-style: chr17-56296088-ACT-A.
Other names: c.81_82delAG (NM_017777.3).
Identifiers: ClinVar variation 2026409 (VCV002026409.5), dbSNP rs2509466317, ClinGen allele CA2580613165.

ClinVar aggregate classification (germline): Pathogenic/Likely pathogenic. Review status: criteria provided, multiple submitters, no conflicts (2 of 4 stars). 3 submissions from 3 submitters: Pathogenic (1); Likely pathogenic (2). Last evaluated 2024-09-23.

Conditions:
Joubert syndrome. Also called: CEREBELLOPARENCHYMAL DISORDER IV; JOUBERT-BOLTSHAUSER SYNDROME; Familial aplasia of the vermis. Identifiers: Orphanet 475, MedGen C5979921, MONDO:0018772.
Meckel-Gruber syndrome. Also called: DYSENCEPHALIA SPLANCHNOCYSTICA; GRUBER SYNDROME; Dysencephalia splachnocystica. Identifiers: Orphanet 564, MedGen C0265215, MONDO:0018921.
Meckel syndrome, type 1 (MKS1). Also called: MECKEL-GRUBER SYNDROME, TYPE 1. Identifiers: Orphanet 564, MedGen C3714506, MONDO:0009571, OMIM 249000.
Bardet-Biedl syndrome 13 (BBS13). Identifiers: Orphanet 110, MedGen C2673873, MONDO:0014441, OMIM 615990.

Submissions (3):

Natera, Inc.
Classification: Likely pathogenic for Meckel syndrome type 1. Last evaluated: 2024-09-23. Review status: criteria provided, single submitter. Criteria: Natera Variant Classification Schema (03/2026). Collection method: clinical testing. Allele origin: germline.
Comment: The c.81_82delAG variant in MKS1 is a frameshift variant predicted to shift the reading frame beginning at codon 28 and leads to a stop codon 30 codons downstream. This variant is expected to result in nonsense mediated decay, truncation, or a dysfunctional protein product. This variant is rare in the general population with a frequency below the threshold expected for the associated phenotype(s). Given the available evidence, this variant is classified as Likely Pathogenic.

Labcorp Genetics (formerly Invitae), Labcorp
Classification: Pathogenic for Joubert syndrome; Meckel-Gruber syndrome. Last evaluated: 2023-09-19. Review status: criteria provided, single submitter. Criteria: Invitae Variant Classification Sherloc (09022015). Collection method: clinical testing. Allele origin: germline.
Comment: This variant has not been reported in the literature in individuals affected with MKS1-related conditions. For these reasons, this variant has been classified as Pathogenic. Algorithms developed to predict the effect of sequence changes on RNA splicing suggest that this variant may disrupt the consensus splice site. This variant is not present in population databases (gnomAD no frequency). This sequence change creates a premature translational stop signal (p.Val28Profs*30) in the MKS1 gene. It is expected to result in an absent or disrupted protein product. Loss-of-function variants in MKS1 are known to be pathogenic (PMID: 19466712, 24886560, 26490104).

Baylor Genetics
Classification: Likely pathogenic for Bardet-Biedl syndrome 13. Last evaluated: 2023-08-24. Review status: criteria provided, single submitter. Criteria: ACMG Guidelines, 2015. Collection method: clinical testing. Allele origin: unknown.

Literature cited by the submitters: PubMed 19466712 (cited by Labcorp Genetics (formerly Invitae), Labcorp); PubMed 24886560 (cited by Labcorp Genetics (formerly Invitae), Labcorp); PubMed 26490104 (cited by Labcorp Genetics (formerly Invitae), Labcorp).